The following is an entry in ClinVar:

NM_000059.4(BRCA2):c.969A>T (p.Val323=)

Gene: BRCA2 (BRCA2 DNA repair associated; plus strand). Cytogenetic location: 13q13.1.
Variant type: single nucleotide variant.
Coding change: c.969A>T on transcript NM_000059.4 (MANE Select); coding-DNA position 969, A replaced by T.
Protein change: p.Val323=; no amino-acid change (valine 323 retained).
Molecular consequence: synonymous variant.
Genome position (GRCh38, 1-based): chr13:32,332,447, A>T. VCF-style: chr13-32332447-A-T. GRCh37 (hg19) VCF-style: chr13-32906584-A-T.
Identifiers: ClinVar variation 219700 (VCV000219700.18), dbSNP rs864622214, ClinGen allele CA347976.
Genomic context (GRCh38, chr13:32,332,447, plus strand): 5'-TGAAGAAGATAGTTTTTCATTATGTTTTTCTAAATGTAGAACAAAAAATCTACAAAAAGT[A>T]AGAACTAGCAAGACTAGGAAAAAAATTTTCCATGAAGCAAACGCTGATGAATGTGAAAAA-3'
Protein context (NP_000050.3, residues 313-333): SKCRTKNLQK[Val323=]RTSKTRKKIF

ClinVar aggregate classification (germline): Likely benign. Review status: reviewed by expert panel (3 of 4 stars). 4 submissions from 4 submitters: Likely benign (1). 3 of the submissions do not count toward it. Last evaluated 2017-06-29.

Conditions:
Hereditary cancer-predisposing syndrome. Also called: Tumor predisposition; Hereditary neoplastic syndrome; Neoplastic Syndromes, Hereditary; Hereditary Cancer Syndrome. Identifiers: Orphanet 140162, MedGen C0027672, MeSH D009386, MONDO:0015356.
Hereditary breast ovarian cancer syndrome. Also called: Hereditary breast and ovarian cancer; BRCA1- and BRCA2-Associated Hereditary Breast and Ovarian Cancer; Hereditary breast and/or ovarian cancer syndrome; Hereditary breast and ovarian cancer syndrome; Hereditary breast and ovarian cancer syndrome (HBOC); Breast and ovarian cancer. Identifiers: Orphanet 145, MedGen C0677776, MeSH D061325, MONDO:0003582. Disease mechanism: loss of function.
Breast-ovarian cancer, familial, susceptibility to, 2 (BROVCA2). Also called: BRCA2 Hereditary Breast and Ovarian Cancer. Identifiers: Orphanet 145, MedGen C2675520, MONDO:0012933, OMIM 612555. Disease mechanism: loss of function.

Allele frequency attached by ClinVar (database versions not stated): TOPMed below 0.00001.

Submissions (4):

Evidence-based Network for the Interpretation of Germline Mutant Alleles (ENIGMA)
Classification: Likely benign for Breast-ovarian cancer, familial, susceptibility to, 2. Last evaluated: 2017-06-29. Review status: reviewed by expert panel. Criteria: ENIGMA BRCA1/2 Classification Criteria (2017-06-29). Collection method: curation. Allele origin: germline.
Comment: Synonymous substitution variant, with low bioinformatic likelihood to result in a splicing aberration (Splicing prior probability 0.02).

Labcorp Genetics (formerly Invitae), Labcorp
Classification: Likely benign for Hereditary breast ovarian cancer syndrome. Last evaluated: 2025-09-04. Review status: criteria provided, single submitter. Criteria: Invitae Variant Classification Sherloc (09022015). Collection method: clinical testing. Allele origin: germline. Not counted in ClinVar's aggregate classification.

Color Diagnostics, LLC DBA Color Health
Classification: Likely benign for Hereditary cancer-predisposing syndrome. Last evaluated: 2023-04-01. Review status: criteria provided, single submitter. Criteria: ACMG Guidelines, 2015. Collection method: clinical testing. Allele origin: germline. Not counted in ClinVar's aggregate classification.

Ambry Genetics
Classification: Likely benign for Hereditary cancer-predisposing syndrome. Last evaluated: 2016-05-11. Review status: criteria provided, single submitter. Criteria: Ambry Variant Classification Scheme 2023. Collection method: clinical testing. Allele origin: germline. Not counted in ClinVar's aggregate classification.